The following is an entry in ClinVar:

NM_001035.3(RYR2):c.3424-4A>G

Gene: RYR2 (ryanodine receptor 2; plus strand). Cytogenetic location: 1q43.
Variant type: single nucleotide variant.
Coding change: c.3424-4A>G on transcript NM_001035.3 (MANE Select); 4 bases into the intron before coding-DNA position 3424, A replaced by G.
Molecular consequence: intron variant.
Genome position (GRCh38, 1-based): chr1:237,569,141, A>G. VCF-style: chr1-237569141-A-G. GRCh37 (hg19) VCF-style: chr1-237732441-A-G.
Identifiers: ClinVar variation 774263 (VCV000774263.17), dbSNP rs1170393191, ClinGen allele CA529912794.

ClinVar aggregate classification (germline): Conflicting classifications of pathogenicity. Review status: criteria provided, conflicting classifications (1 of 4 stars). 4 submissions from 4 submitters: Uncertain significance (1); Likely benign (3). Last evaluated 2026-01-19.

Conditions:
Catecholaminergic polymorphic ventricular tachycardia (CVPT). Also called: Catecholamine-induced polymorphic ventricular tachycardia. Identifiers: Orphanet 3286, MedGen C5574922, MONDO:0017990.
Catecholaminergic polymorphic ventricular tachycardia 1. Also called: RYR2-Related Catecholaminergic Polymorphic Ventricular Tachycardia; VENTRICULAR TACHYCARDIA, CATECHOLAMINERGIC POLYMORPHIC, 1, WITH OR WITHOUT ATRIAL DYSFUNCTION AND/OR DILATED CARDIOMYOPATHY; VENTRICULAR TACHYCARDIA, STRESS-INDUCED POLYMORPHIC 1. Identifiers: Orphanet 3286, MedGen C1631597, MONDO:0011484, OMIM 604772.
Cardiomyopathy (CMYO). Also called: Cardiomyopathies. Identifiers: Orphanet 167848, MedGen C0878544, MONDO:0004994, HP:0001638. Inheritance: Various modes of inheritance.
Cardiovascular phenotype. Identifiers: MedGen CN230736.

Allele frequency attached by ClinVar (database versions not stated): gnomAD 0.00001; gnomAD exomes 0.00001; TOPMed 0.00001.
gnomAD v4.1: 5 of 1,612,726 alleles (0.00031%); highest among the groups gnomAD compares: Admixed American, 0.0067%; no homozygotes.

Submissions (4):

Labcorp Genetics (formerly Invitae), Labcorp
Classification: Likely benign for Catecholaminergic polymorphic ventricular tachycardia 1. Last evaluated: 2026-01-19. Review status: criteria provided, single submitter. Criteria: Invitae Variant Classification Sherloc (09022015). Collection method: clinical testing. Allele origin: germline.

All of Us Research Program, National Institutes of Health
Classification: Likely benign for Catecholaminergic polymorphic ventricular tachycardia. Last evaluated: 2023-10-02. Review status: criteria provided, single submitter. Criteria: ACMG Guidelines, 2015. Collection method: clinical testing. Allele origin: germline. Inheritance: Autosomal dominant inheritance. Observed: 2 variant alleles, 2 heterozygotes.
Comment: This study involves interpretation of variants in research participants for the purpose of population health screening. Participant phenotype was not available at the time of variant classification. Additional details can be found in publication PMID: 35346344, PMCID: PMC8962531

Color Diagnostics, LLC DBA Color Health
Classification: Likely benign for Cardiomyopathy. Last evaluated: 2022-05-06. Review status: criteria provided, single submitter. Criteria: ACMG Guidelines, 2015. Collection method: clinical testing. Allele origin: germline.

Ambry Genetics
Classification: Uncertain significance for Cardiovascular phenotype. Last evaluated: 2020-08-25. Review status: criteria provided, single submitter. Criteria: Ambry Variant Classification Scheme 2023. Collection method: clinical testing. Allele origin: germline.
Comment: The c.3424-4A>G intronic variant results from an A to G substitution 4 nucleotides upstream from coding exon 29 in the RYR2 gene. This nucleotide position is not well conserved in available vertebrate species. In silico splice site analysis predicts that this alteration will not have any significant effect on splicing. Since supporting evidence is limited at this time, the clinical significance of this alteration remains unclear.